The following is an entry in ClinVar:

NM_032776.3(JMJD1C):c.208G>C (p.Glu70Gln)

Gene: JMJD1C (jumonji domain containing 1C; minus strand). Cytogenetic location: 10q21.3.
Variant type: single nucleotide variant.
Coding change: c.208G>C on transcript NM_032776.3 (MANE Select); coding-DNA position 208, G replaced by C.
Protein change: p.Glu70Gln; replaces glutamic acid 70 with glutamine.
Molecular consequence: missense variant. On other transcripts: 5 prime UTR variant (2).
Genome position (GRCh38, 1-based): chr10:63,380,443, C>G on the plus strand (G>C on the coding strand, the complement: JMJD1C is on the minus strand). VCF-style: chr10-63380443-C-G. GRCh37 (hg19) VCF-style: chr10-65140203-C-G.
Other names: c.208G>C (NM_032776.1); c.-339G>C (NM_001318154.2); c.208G>C, p.Glu70Gln (NM_001322252.2); c.-344G>C (NM_001322258.2); short protein forms E70Q.
Identifiers: ClinVar variation 949398 (VCV000949398.10), dbSNP rs1169735254, ClinGen allele CA377086887.

ClinVar aggregate classification (germline): Uncertain significance. Review status: criteria provided, multiple submitters, no conflicts (2 of 4 stars). 2 submissions from 2 submitters: Uncertain significance (2). Last evaluated 2026-02-02.

Conditions:
Early Myoclonic Encephalopathy. Identifiers: MedGen C0270855.

Allele frequency attached by ClinVar (database versions not stated): TOPMed below 0.00001; gnomAD exomes below 0.00001 and 0.00001.
gnomAD v4.1: 10 of 1,613,740 alleles (0.00062%); highest among the groups gnomAD compares: Non-Finnish European, 0.00076%; no homozygotes.

Submissions (2):

Labcorp Genetics (formerly Invitae), Labcorp
Classification: Uncertain significance for Early Myoclonic Encephalopathy. Last evaluated: 2026-02-02. Review status: criteria provided, single submitter. Criteria: Invitae Variant Classification Sherloc (09022015). Collection method: clinical testing. Allele origin: germline.
Comment: This sequence change replaces glutamic acid, which is acidic and polar, with glutamine, which is neutral and polar, at codon 70 of the JMJD1C protein (p.Glu70Gln). This variant is present in population databases (no rsID available, gnomAD 0.0009%). This variant has not been reported in the literature in individuals affected with JMJD1C-related conditions. ClinVar contains an entry for this variant (Variation ID: 949398). An algorithm developed to predict the effect of missense changes on protein structure and function (PolyPhen-2) suggests that this variant is likely to be disruptive. In summary, the available evidence is currently insufficient to determine the role of this variant in disease. Therefore, it has been classified as a Variant of Uncertain Significance.

Ambry Genetics
Classification: Uncertain significance. Last evaluated: 2023-12-20. Review status: criteria provided, single submitter. Criteria: Ambry Variant Classification Scheme 2023. Collection method: clinical testing. Allele origin: germline.